The following is an entry in ClinVar:

NM_001318734.2(KLC2):c.1532T>C (p.Met511Thr)

Gene: KLC2 (kinesin light chain 2; plus strand). Cytogenetic location: 11q13.2.
Variant type: single nucleotide variant.
Coding change: c.1532T>C on transcript NM_001318734.2 (MANE Select); coding-DNA position 1532, T replaced by C.
Protein change: p.Met511Thr; replaces methionine 511 with threonine.
Molecular consequence: missense variant.
Genome position (GRCh38, 1-based): chr11:66,265,942, T>C. VCF-style: chr11-66265942-T-C. GRCh37 (hg19) VCF-style: chr11-66033413-T-C.
Other names: c.1532T>C (NM_001134775.1); c.1301T>C, p.Met434Thr (NM_001134774.2); c.1532T>C, p.Met511Thr (NM_001134775.2, NM_001134776.2, NM_022822.3); short protein forms M511T, M434T.
Identifiers: ClinVar variation 1419509 (VCV001419509.7), dbSNP rs200774812, ClinGen allele CA6117479.

ClinVar aggregate classification (germline): Uncertain significance. Review status: criteria provided, multiple submitters, no conflicts (2 of 4 stars). 2 submissions from 2 submitters: Uncertain significance (2). Last evaluated 2023-04-12.

Allele frequency attached by ClinVar (database versions not stated): TOPMed 0.00015; gnomAD 0.00016 and 0.00017; gnomAD exomes 0.00017 and 0.00028; ExAC 0.00021; ESP Exome Variant Server 0.00023.
gnomAD v4.1: 426 of 1,597,996 alleles (0.027%); highest among the groups gnomAD compares: Non-Finnish European, 0.034%; no homozygotes.

Submissions (2):

Labcorp Genetics (formerly Invitae), Labcorp
Classification: Uncertain significance. Last evaluated: 2023-04-12. Review status: criteria provided, single submitter. Criteria: Invitae Variant Classification Sherloc (09022015). Collection method: clinical testing. Allele origin: germline.
Comment: In summary, the available evidence is currently insufficient to determine the role of this variant in disease. Therefore, it has been classified as a Variant of Uncertain Significance. Algorithms developed to predict the effect of missense changes on protein structure and function output the following: SIFT: "Not Available"; PolyPhen-2: "Benign"; Align-GVGD: "Not Available". The threonine amino acid residue is found in multiple mammalian species, which suggests that this missense change does not adversely affect protein function. ClinVar contains an entry for this variant (Variation ID: 1419509). This variant has not been reported in the literature in individuals affected with KLC2-related conditions. This variant is present in population databases (rs200774812, gnomAD 0.03%). This sequence change replaces methionine, which is neutral and non-polar, with threonine, which is neutral and polar, at codon 511 of the KLC2 protein (p.Met511Thr).

Ambry Genetics
Classification: Uncertain significance. Last evaluated: 2021-08-23. Review status: criteria provided, single submitter. Criteria: Ambry Variant Classification Scheme 2023. Collection method: clinical testing. Allele origin: germline.